The following is an entry in ClinVar:

ClinVar aggregate classification (germline): Uncertain significance (1 of 4 stars; one submission).

Conditions:
Fabry disease. Also called: Fabry's disease; ALPHA-GALACTOSIDASE A DEFICIENCY; ANDERSON-FABRY DISEASE; CERAMIDE TRIHEXOSIDASE DEFICIENCY; GLA DEFICIENCY; HEREDITARY DYSTOPIC LIPIDOSIS. Identifiers: Orphanet 324, MedGen C0002986, MONDO:0010526, OMIM 301500, HP:0001071. Disease mechanism: Fabry disease is due to inactivating mutations in the X-linked GLA gene resulting in deficiency of the enzyme Alpha Galactosidase-A., loss of function.

Submission:

Genomenon, Inc
Classification: Uncertain significance for Fabry disease. Last evaluated: 2026-09-08. Review status: criteria provided, single submitter. Criteria: Genomenon Sequence Variant Interpretation Standards - Updated. Collection method: curation. Allele origin: germline. Affected: no.
Comment: GLA p.Gly361Val (c.1082G>T) is a missense variant that changes the amino acid at codon 361 from Glycine to Valine. This variant has been reported in the published literature (PMID:41204227). The presence of pathogenic/likely pathogenic missense variant(s) at the same amino acid position indicates that this residue is likely important for protein function. It is absent or not present at a significant frequency in gnomAD. In silico models predict that this variant is possibly or probably damaging. In conclusion, we classify GLA p.Gly361Val (c.1082G>T) as a variant of uncertain significance.

Literature cited by the submitters: PubMed 41204227.

NM_000169.3(GLA):c.1082G>T (p.Gly361Val)

Genes: GLA (galactosidase alpha; minus strand), RPL36A-HNRNPH2 (RPL36A-HNRNPH2 readthrough; plus strand). Cytogenetic location: Xq22.1.
Variant type: single nucleotide variant.
Coding change: c.1082G>T on transcript NM_000169.3 (MANE Select); coding-DNA position 1082, G replaced by T.
Protein change: p.Gly361Val; replaces glycine 361 with valine.
Molecular consequence: missense variant. On other transcripts: non-coding transcript variant (3), intron variant (2).
Genome position (GRCh38, 1-based): chrX:101,398,017, C>A on the plus strand (G>T on the coding strand, the complement: GLA is on the minus strand). VCF-style: chrX-101398017-C-A. GRCh37 (hg19) VCF-style: chrX-100653005-C-A.
Other names: c.1205G>T, p.Gly402Val (NM_001406747.1); c.300+2560C>A (NM_001199973.2); c.177+6195C>A (NM_001199974.2); short protein forms G361V, G402V.
Identifiers: ClinVar variation 4974838 (VCV004974838.1).